The following is an entry in ClinVar:

ClinVar aggregate classification (germline): Uncertain significance (1 of 4 stars; one submission).

gnomAD v4.1: 3 of 1,613,282 alleles (0.00019%); highest among the groups gnomAD compares: Admixed American, 0.0033%; no homozygotes.

Submission:

Labcorp Genetics (formerly Invitae), Labcorp
Classification: Uncertain significance. Last evaluated: 2025-10-21. Review status: criteria provided, single submitter. Criteria: Invitae Variant Classification Sherloc (09022015). Collection method: clinical testing. Allele origin: germline.
Comment: This sequence change replaces asparagine, which is neutral and polar, with aspartic acid, which is acidic and polar, at codon 225 of the DDX58 protein (p.Asn225Asp). This variant is present in population databases (no rsID available, gnomAD 0.003%). This variant has not been reported in the literature in individuals affected with DDX58-related conditions. ClinVar contains an entry for this variant (Variation ID: 1975694). Invitae Evidence Modeling of protein sequence and biophysical properties (such as structural, functional, and spatial information, amino acid conservation, physicochemical variation, residue mobility, and thermodynamic stability) indicates that this missense variant is not expected to disrupt DDX58 protein function with a negative predictive value of 80%. In summary, the available evidence is currently insufficient to determine the role of this variant in disease. Therefore, it has been classified as a Variant of Uncertain Significance.

NM_014314.4(RIGI):c.673A>G (p.Asn225Asp)

Gene: RIGI (RNA sensor RIG-I; minus strand). Cytogenetic location: 9p21.1.
Variant type: single nucleotide variant.
Coding change: c.673A>G on transcript NM_014314.4 (MANE Select); coding-DNA position 673, A replaced by G.
Protein change: p.Asn225Asp; replaces asparagine 225 with aspartic acid.
Molecular consequence: missense variant.
Genome position (GRCh38, 1-based): chr9:32,491,319, T>C on the plus strand (A>G on the coding strand, the complement: RIGI is on the minus strand). VCF-style: chr9-32491319-T-C. GRCh37 (hg19) VCF-style: chr9-32491317-T-C.
Other names: c.673A>G, p.Asn225Asp (NM_001385907.1, NM_001385909.1); c.232A>G, p.Asn78Asp (NM_001385910.1, NM_001385914.1); c.64A>G, p.Asn22Asp (NM_001385912.1); c.658A>G, p.Asn220Asp (NM_001385913.1); short protein forms N220D, N22D, N225D, N78D.
Identifiers: ClinVar variation 1975694 (VCV001975694.5), dbSNP rs1244068189, ClinGen allele CA373160709.